The following is an entry in ClinVar:

ClinVar aggregate classification (germline): Likely pathogenic (1 of 4 stars; one submission).

Conditions:
Neurodevelopmental disorder with hypotonia, stereotypic hand movements, and impaired language. Also called: Intellectual disability, autosomal dominant 20. Identifiers: Orphanet 228384, Orphanet 664410, MedGen C3150700, MONDO:0013266, OMIM 613443.

Submission:

Labcorp Genetics (formerly Invitae), Labcorp
Classification: Likely pathogenic for Neurodevelopmental disorder with hypotonia, stereotypic hand movements, and impaired language. Last evaluated: 2020-05-22. Review status: criteria provided, single submitter. Criteria: Invitae Variant Classification Sherloc (09022015). Collection method: clinical testing. Allele origin: germline.
Comment: In summary, the currently available evidence indicates that the variant is pathogenic, but additional data are needed to prove that conclusively. Therefore, this variant has been classified as Likely Pathogenic. Algorithms developed to predict the effect of missense changes on protein structure and function are either unavailable or do not agree on the potential impact of this missense change (SIFT: "Deleterious"; PolyPhen-2: "Probably Damaging"; Align-GVGD: "Class C0"). This variant has been observed in individual(s) with MEF2C-related conditions (Invitae). In at least one individual the variant was observed to be de novo. This variant is not present in population databases (ExAC no frequency). This sequence change replaces tyrosine with cysteine at codon 57 of the MEF2C protein (p.Tyr57Cys). The tyrosine residue is moderately conserved and there is a large physicochemical difference between tyrosine and cysteine.

NM_002397.5(MEF2C):c.170A>G (p.Tyr57Cys)

Gene: MEF2C (myocyte enhancer factor 2C; minus strand). Cytogenetic location: 5q14.3.
Variant type: single nucleotide variant.
Coding change: c.170A>G on transcript NM_002397.5 (MANE Select); coding-DNA position 170, A replaced by G.
Protein change: p.Tyr57Cys; replaces tyrosine 57 with cysteine.
Molecular consequence: missense variant.
Genome position (GRCh38, 1-based): chr5:88,804,686, T>C on the plus strand (A>G on the coding strand, the complement: MEF2C is on the minus strand). VCF-style: chr5-88804686-T-C. GRCh37 (hg19) VCF-style: chr5-88100503-T-C.
Other names: c.170A>G, p.Tyr57Cys (NM_001131005.2, NM_001193347.1, NM_001193348.1 and 29 more transcripts); short protein forms Y57C.
Identifiers: ClinVar variation 1065915 (VCV001065915.11), dbSNP rs2153074319, ClinGen allele CA360424961.